The following is an entry in ClinVar:

NM_025179.4(PLXNA2):c.4536T>C (p.Ser1512=)

Gene: PLXNA2 (plexin A2; minus strand). Cytogenetic location: 1q32.2.
Variant type: single nucleotide variant.
Coding change: c.4536T>C on transcript NM_025179.4 (MANE Select); coding-DNA position 4536, T replaced by C.
Protein change: p.Ser1512=; no amino-acid change (serine 1512 retained).
Molecular consequence: synonymous variant.
Genome position (GRCh38, 1-based): chr1:208,038,949, A>G on the plus strand (T>C on the coding strand, the complement: PLXNA2 is on the minus strand). VCF-style: chr1-208038949-A-G. GRCh37 (hg19) VCF-style: chr1-208212294-A-G.
Identifiers: ClinVar variation 746950 (VCV000746950.11), dbSNP rs141232026, ClinGen allele CA1372843.

ClinVar aggregate classification (germline): Likely benign. Review status: criteria provided, single submitter (1 of 4 stars). 2 submissions from 2 submitters: Likely benign (1). 1 of the submissions does not count toward it. Last evaluated 2025-12-23.

Conditions:
PLXNA2-related disorder. Also called: PLXNA2-related condition.

Allele frequency attached by ClinVar (database versions not stated): gnomAD exomes 0.00008 and 0.00018; ExAC 0.00021; 1000 Genomes Project 30x 0.00031; 1000 Genomes Project 0.00040; ESP Exome Variant Server 0.00054; gnomAD 0.00068 and 0.00072; TOPMed 0.00085.
gnomAD v4.1: 220 of 1,613,990 alleles (0.014%); highest among the groups gnomAD compares: African/African-American, 0.26%; no homozygotes.

Submissions (2):

Labcorp Genetics (formerly Invitae), Labcorp
Classification: Likely benign. Last evaluated: 2025-12-23. Review status: criteria provided, single submitter. Criteria: Invitae Variant Classification Sherloc (09022015). Collection method: clinical testing. Allele origin: germline.

PreventionGenetics, part of Exact Sciences
Classification: Likely benign for PLXNA2-related condition. Last evaluated: 2021-08-19. Review status: no assertion criteria provided. Collection method: clinical testing. Allele origin: germline. Not counted in ClinVar's aggregate classification.
Comment: This variant is classified as likely benign based on ACMG/AMP sequence variant interpretation guidelines (Richards et al. 2015 PMID: 25741868, with internal and published modifications).